The following is an entry in ClinVar:

ClinVar aggregate classification (germline): Pathogenic/Likely pathogenic. Review status: criteria provided, multiple submitters, no conflicts (2 of 4 stars). 12 submissions from 12 submitters: Pathogenic (7); Likely pathogenic (4). 1 of the submissions does not count toward it. Last evaluated 2026-08-01.

Conditions:
COL4A5-related disorders.
Kidney disorder. Also called: Nephropathy; Kidney disease; Kidney Diseases; renal disorder; renal disease. Identifiers: MedGen C0022658, MONDO:0005240, HP:0000112.
Inborn genetic diseases. Identifiers: MedGen C0950123, MeSH D030342.
X-linked Alport syndrome (ATS1). Also called: COL4A5-Related Nephropathy; NEPHROPATHY AND DEAFNESS, X-LINKED. Identifiers: Orphanet 63, Orphanet 88917, MedGen C4746986, MONDO:0010520, OMIM 301050.
Hearing impairment. Also called: Impaired Hearing. Identifiers: MedGen C1384666, MONDO:0005365, HP:0000365.

Submissions (12):

CeGaT Center for Human Genetics Tuebingen
Classification: Pathogenic. Last evaluated: 2026-08-01. Review status: criteria provided, single submitter. Criteria: CeGaT Center For Human Genetics Tuebingen Variant Classification Criteria Version 2. Collection method: clinical testing. Allele origin: germline. Affected: yes. Observed: 2 variant alleles.
Comment: COL4A5: PVS1, PS2, PS4, PM2

Labcorp Genetics (formerly Invitae), Labcorp
Classification: Pathogenic. Last evaluated: 2025-04-28. Review status: criteria provided, single submitter. Criteria: Invitae Variant Classification Sherloc (09022015). Collection method: clinical testing. Allele origin: germline.
Comment: This sequence change replaces arginine, which is basic and polar, with glutamine, which is neutral and polar, at codon 1563 of the COL4A5 protein (p.Arg1563Gln). This variant also falls at the last nucleotide of exon 48, which is part of the consensus splice site for this exon. This variant is not present in population databases (gnomAD no frequency). This missense change has been observed in individual(s) with X-linked dominant Alport syndrome (PMID: 8455372, 30477285). In at least one individual the variant was observed to be de novo. It has also been observed to segregate with disease in related individuals. ClinVar contains an entry for this variant (Variation ID: 24757). An algorithm developed to predict the effect of missense changes on protein structure and function (PolyPhen-2) suggests that this variant is likely to be disruptive. Variants that disrupt the consensus splice site are a relatively common cause of aberrant splicing (PMID: 17576681, 9536098). Algorithms developed to predict the effect of sequence changes on RNA splicing suggest that this variant may disrupt the consensus splice site. For these reasons, this variant has been classified as Pathogenic.

Revvity Omics, Revvity
Classification: Pathogenic for X-linked Alport syndrome. Last evaluated: 2024-12-09. Review status: criteria provided, single submitter. Criteria: ACMG Guidelines, 2015. Collection method: clinical testing. Allele origin: germline.

Ambry Genetics
Classification: Pathogenic for Inborn genetic diseases. Last evaluated: 2024-05-08. Review status: criteria provided, single submitter. Criteria: Ambry Variant Classification Scheme 2023. Collection method: clinical testing. Allele origin: germline.
Comment: The c.4688G>A (p.R1563Q) alteration is located in exon 48 (coding exon 48) of the COL4A5 gene. This alteration results from a G to A substitution at nucleotide position 4688, causing the arginine (R) at amino acid position 1563 to be replaced by a glutamine (Q), however, this change occurs in the last base pair of coding exon48, which makes it likely to have some effect on normal mRNA splicing. This variant was not reported in population-based cohorts in the Genome Aggregation Database (gnomAD). This alteration was detected in the heterozygous or hemizygous state in multiple individuals with COL4A5-related Alport syndrome (Zhou, 1993; Hertz, 2001; Gross, 2002; Ars, 2005; Juan-Juan, 2024; Han, 2019; Sun, 2023). This nucleotide position is highly conserved in available vertebrate species. This amino acid position is highly conserved in available vertebrate species. This alteration is predicted to be deleterious by in silico analysis. In silico splice site analysis predicts that this alteration will weaken the native splice donor site. Based on the available evidence, this alteration is classified as pathogenic.

Precision Medicine Center, Zhengzhou University
Classification: Likely pathogenic for X-linked Alport syndrome. Last evaluated: 2023-12-01. Review status: criteria provided, single submitter. Criteria: ACMG Guidelines, 2015. Collection method: clinical testing. Allele origin: maternal. Affected: yes.
Comment: PM1,PM2_p,PP1,PP3,PP4

3billion
Classification: Pathogenic for X-linked Alport syndrome. Last evaluated: 2023-02-23. Review status: criteria provided, single submitter. Criteria: ACMG Guidelines, 2015. Collection method: clinical testing. Allele origin: unknown. Affected: yes.
Comment: The variant is not observed in the gnomAD v2.1.1 dataset. Missense changes are a common disease-causing mechanism. In silico tool predictions suggest damaging effect of the variant on gene or gene product (REVEL: 0.94; 3Cnet: 0.76). Same nucleotide change resulting in same amino acid change has been previously reported as pathogenic/likely pathogenic with strong evidence (ClinVar ID: VCV000024757). The variant has been previously reported as de novo in a similarly affected individual (PMID: 30477285). Therefore, this variant is classified as Pathogenic according to the recommendation of ACMG/AMP guideline.

Fulgent Genetics
Classification: Likely pathogenic for X-linked Alport syndrome. Last evaluated: 2021-12-20. Review status: criteria provided, single submitter. Criteria: ACMG Guidelines, 2015. Collection method: clinical testing. Allele origin: unknown.

Department of Otolaryngology – Head & Neck Surgery, Cochlear Implant Center
Classification: Likely pathogenic for Hearing impairment. Last evaluated: 2021-04-12. Review status: criteria provided, single submitter. Criteria: ClinGen HL ACMG Specifications v1. Collection method: clinical testing. Allele origin: germline. Affected: yes.
Comment: PVS1_Strong, PM2_Moderate, PP4_Moderate

Blueprint Genetics
Classification: Pathogenic for COL4A5-related disorders. Last evaluated: 2021-03-09. Review status: criteria provided, single submitter. Criteria: ACMG Guidelines, 2015. Collection method: clinical testing. Allele origin: germline. Affected: yes. Observed: 2 variant alleles.

Athena Diagnostics
Classification: Pathogenic. Last evaluated: 2017-06-29. Review status: criteria provided, single submitter. Criteria: Athena Diagnostics Criteria. Collection method: clinical testing. Allele origin: germline.

Genome Diagnostics Laboratory, The Hospital for Sick Children
Classification: Likely pathogenic for Kidney disorder. Last evaluated: 2017-04-03. Review status: criteria provided, single submitter. Criteria: ACMG Guidelines, 2015. Collection method: clinical testing. Allele origin: germline.

Bioscientia Institut fuer Medizinische Diagnostik GmbH, Sonic Healthcare
Classification: Pathogenic for X-linked Alport syndrome. Last evaluated: 2018-01-02. Review status: no assertion criteria provided. Collection method: clinical testing. Allele origin: germline. Affected: yes. Not counted in ClinVar's aggregate classification.

Literature cited by the submitters: PubMed 8455372 (cited by 3 submitters); PubMed 30477285 (cited by 3 submitters); PubMed 17576681 (cited by Labcorp Genetics (formerly Invitae), Labcorp); PubMed 9536098 (cited by Labcorp Genetics (formerly Invitae), Labcorp); PubMed 11462238 (cited by Ambry Genetics and Athena Diagnostics); PubMed 12105244 (cited by 3 submitters); PubMed 15957001 (cited by Ambry Genetics and Athena Diagnostics); PubMed 36874354 (cited by Ambry Genetics); PubMed 38249544 (cited by Ambry Genetics); PubMed 8406498 (cited by Athena Diagnostics); PubMed 10094548 (cited by Athena Diagnostics).

NM_033380.3(COL4A5):c.4706G>A (p.Arg1569Gln)

Gene: COL4A5 (collagen type IV alpha 5 chain; plus strand). Cytogenetic location: Xq22.3.
Variant type: single nucleotide variant.
Coding change: c.4706G>A on transcript NM_033380.3 (MANE Select); coding-DNA position 4706, G replaced by A.
Protein change: p.Arg1569Gln; replaces arginine 1569 with glutamine.
Molecular consequence: missense variant.
Genome position (GRCh38, 1-based): chrX:108,692,925, G>A. VCF-style: chrX-108692925-G-A. GRCh37 (hg19) VCF-style: chrX-107936155-G-A.
Other names: c.4688G>A, p.Arg1563Gln (NM_000495.5); short protein forms R1563Q, R1569Q.
Identifiers: ClinVar variation 24757 (VCV000024757.25), dbSNP rs281874743, ClinGen allele CA259087.
Genomic context (GRCh38, chrX:108,692,925, plus strand): 5'-AGCCCATGCCAATGAGCATGCAACCCCTAAAGGGCCAGAGCATCCAGCCATTCATTAGTC[G>A]GTAAGGCATTGATTTAGCTGTGACTTTTACCAATCCCCAGTTAGTTAGCTAGTCAGATTT-3'
Protein context (NP_203699.1, residues 1559-1579): KGQSIQPFIS[Arg1569Gln]CAVCEAPAVV